The following is an entry in ClinVar:

ClinVar aggregate classification (germline): Conflicting classifications of pathogenicity. Review status: criteria provided, conflicting classifications (1 of 4 stars). 2 submissions from 2 submitters: Uncertain significance (1); Likely benign (1). Last evaluated 2025-08-02.

Conditions:
Inborn genetic diseases. Identifiers: MedGen C0950123, MeSH D030342.

gnomAD v4.1: 29 of 1,614,136 alleles (0.0018%); highest among the groups gnomAD compares: Admixed American, 0.025%; no homozygotes.

Submissions (2):

Ambry Genetics
Classification: Likely benign for Inborn genetic diseases. Last evaluated: 2025-08-02. Review status: criteria provided, single submitter. Criteria: Ambry Variant Classification Scheme 2023. Collection method: clinical testing. Allele origin: germline.

Labcorp Genetics (formerly Invitae), Labcorp
Classification: Uncertain significance. Last evaluated: 2024-01-15. Review status: criteria provided, single submitter. Criteria: Invitae Variant Classification Sherloc (09022015). Collection method: clinical testing. Allele origin: germline.
Comment: This sequence change replaces isoleucine, which is neutral and non-polar, with threonine, which is neutral and polar, at codon 245 of the COL4A3 protein (p.Ile245Thr). This variant is present in population databases (rs767620544, gnomAD 0.02%). This variant has not been reported in the literature in individuals affected with COL4A3-related conditions. Advanced modeling of protein sequence and biophysical properties (such as structural, functional, and spatial information, amino acid conservation, physicochemical variation, residue mobility, and thermodynamic stability) performed at Invitae indicates that this missense variant is not expected to disrupt COL4A3 protein function with a negative predictive value of 95%. In summary, the available evidence is currently insufficient to determine the role of this variant in disease. Therefore, it has been classified as a Variant of Uncertain Significance.

NM_000091.5(COL4A3):c.734T>C (p.Ile245Thr)

Genes: COL4A3 (collagen type IV alpha 3 chain; plus strand), MFF-DT (MFF divergent transcript; minus strand). Cytogenetic location: 2q36.3.
Variant type: single nucleotide variant.
Coding change: c.734T>C on transcript NM_000091.5 (MANE Select); coding-DNA position 734, T replaced by C.
Protein change: p.Ile245Thr; replaces isoleucine 245 with threonine.
Molecular consequence: missense variant.
Genome position (GRCh38, 1-based): chr2:227,253,607, T>C. VCF-style: chr2-227253607-T-C. GRCh37 (hg19) VCF-style: chr2-228118323-T-C.
Other names: short protein forms I245T.
Identifiers: ClinVar variation 2739018 (VCV002739018.2), dbSNP rs767620544, ClinGen allele CA2146332.